The following is an entry in ClinVar:

NC_012920.1(MT-ATP6):m.8843T>C

Gene: MT-ATP6 (mitochondrially encoded ATP synthase 6; plus strand).
Variant type: single nucleotide variant.
Genome position: chrM-8843-T-C.
Identifiers: ClinVar variation 693000 (VCV000693000.2), dbSNP rs386829053, ClinGen allele CA337098062.

ClinVar aggregate classification (germline): Benign/Likely benign. Review status: criteria provided, multiple submitters, no conflicts (2 of 4 stars). 2 submissions from 2 submitters: Benign (1); Likely benign (1). Last evaluated 2025-02-16.

Conditions:
Leigh syndrome (NULS). Also called: Leigh's necrotizing encephalopathy; Leigh's disease; Leigh Syndrome (mtDNA deletion); Leigh Disease; Subacute necrotizing encephalopathy; Necrotizing encephalopathy infantile subacute of Leigh. Identifiers: Orphanet 506, MedGen C2931891, MONDO:0009723, OMIM 256000.

Submissions (2):

Laboratory of Genetics, Children's Clinical University Hospital Latvia
Classification: Likely benign. Last evaluated: 2025-02-16. Review status: criteria provided, single submitter. Criteria: ACMG Guidelines, 2015. Collection method: clinical testing. Allele origin: germline. Affected: yes.

Wong Mito Lab, Molecular and Human Genetics, Baylor College of Medicine
Classification: Benign for Leigh syndrome. Last evaluated: 2019-10-17. Review status: criteria provided, single submitter. Criteria: Modified ACMG Guidelines (Unpublished). Collection method: clinical testing. Allele origin: germline.
Comment: The NC_012920.1:m.8843T>C (YP_003024031.1:p.Ile106Thr) variant in MTATP6 gene is interpretated to be a Benign variant based on the modified ACMG guidelines (unpublished). This variant meets the following evidence codes: BS1, BS2